The following is an entry in ClinVar:

ClinVar aggregate classification (germline): Uncertain significance (1 of 4 stars; one submission).

Submission:

GeneDx
Classification: Uncertain significance. Last evaluated: 2025-04-06. Review status: criteria provided, single submitter. Criteria: GeneDx Variant Classification Process June 2021. Collection method: clinical testing. Allele origin: germline. Affected: yes.
Comment: Has not been previously published as pathogenic or benign to our knowledge; In silico analysis supports that this missense variant has a deleterious effect on protein structure/function

NM_001373.1:c.12716A>C

Gene: DNAH14 (dynein axonemal heavy chain 14; plus strand).
Variant type: single nucleotide variant.
Identifiers: ClinVar variation 4281845 (VCV004281845.1).